The following is an entry in ClinVar:

ClinVar aggregate classification (germline): Conflicting classifications of pathogenicity. Review status: criteria provided, conflicting classifications (1 of 4 stars). 11 submissions from 11 submitters: Uncertain significance (3); Likely benign (7). 1 of the submissions does not count toward it. Last evaluated 2026-08-01.

Conditions:
Autosomal dominant nonsyndromic hearing loss 65. Also called: Deafness, autosomal dominant 65; TBC1D24-Related Autosomal Dominant Nonsyndromic Hearing Loss (DFNA). Identifiers: Orphanet 90635, MedGen C3892048, MONDO:0014470, OMIM 616044.
Developmental and epileptic encephalopathy, 1 (DEE1). Also called: OHTAHARA SYNDROME, X-LINKED; Epileptic encephalopathy, early infantile, 1; INFANTILE SPASM SYNDROME, X-LINKED 1; X-linked infantile spasms; West's syndrome; Tonic spasms with clustering, arrest of psychomotor development and hypsarrhythmia on EEG. Identifiers: MedGen C3463992, MONDO:0010632, OMIM 308350. Disease mechanism: loss of function.
Inborn genetic diseases. Identifiers: MedGen C0950123, MeSH D030342.
TBC1D24-related disorder. Also called: TBC1D24-related disorders; TBC1D24-related condition. Identifiers: MedGen CN381194.
Familial infantile myoclonic epilepsy (FIME). Also called: Epilepsy, Myoclonic, Infantile; TBC1D24-Related Familial Infantile Myoclonic Epilepsy (FIME). Identifiers: Orphanet 352582, MedGen C0917800, MONDO:0011506, OMIM 605021.

Allele frequency attached by ClinVar (database versions not stated): gnomAD 0.00007 and 0.00009; ESP Exome Variant Server 0.00016; TOPMed 0.00029; ExAC 0.00043; gnomAD exomes 0.00055.
gnomAD v4.1: 169 of 1,612,592 alleles (0.01%); highest among the groups gnomAD compares: Admixed American, 0.27%; 1 homozygote.

Submissions (11):

CeGaT Center for Human Genetics Tuebingen
Classification: Likely benign. Last evaluated: 2026-08-01. Review status: criteria provided, single submitter. Criteria: CeGaT Center For Human Genetics Tuebingen Variant Classification Criteria Version 2. Collection method: clinical testing. Allele origin: germline. Affected: yes. Observed: 3 variant alleles.
Comment: TBC1D24: BP4

Labcorp Genetics (formerly Invitae), Labcorp
Classification: Likely benign for Developmental and epileptic encephalopathy, 1; Autosomal dominant nonsyndromic hearing loss 65. Last evaluated: 2026-01-26. Review status: criteria provided, single submitter. Criteria: Invitae Variant Classification Sherloc (09022015). Collection method: clinical testing. Allele origin: germline.

Women's Health and Genetics/Laboratory Corporation of America, LabCorp
Classification: Likely benign. Last evaluated: 2025-09-04. Review status: criteria provided, single submitter. Criteria: LabCorp Variant Classification Summary - May 2015. Collection method: clinical testing. Allele origin: germline.
Comment: Variant summary: TBC1D24 c.1642G>A (p.Val548Met) results in a conservative amino acid change in the encoded protein sequence. Algorithms developed to predict the effect of missense changes on protein structure and function all suggest that this variant is likely to be tolerated. The variant allele was found at a frequency of 0.00055 in 247618 control chromosomes, predominantly at a frequency of 0.0037 within the Latino subpopulation in the gnomAD database, including 1 homozygote. The observed variant frequency within Latino control individuals in the gnomAD database exceeds the estimated maximal expected allele frequency for disease-causing variants in TBC1D24. To our knowledge, no occurrence of c.1642G>A in individuals affected with TBC1D24-related conditions and no experimental evidence demonstrating its impact on protein function have been reported. ClinVar contains an entry for this variant (Variation ID: 378709). Based on the evidence outlined above, the variant was classified as likely benign.

Athena Diagnostics
Classification: Likely benign. Last evaluated: 2024-11-07. Review status: criteria provided, single submitter. Criteria: Athena Diagnostics Criteria. Collection method: clinical testing. Allele origin: unknown.

Blueprint Genetics
Classification: Uncertain significance. Last evaluated: 2022-07-26. Review status: criteria provided, single submitter. Criteria: ACMG Guidelines, 2015. Collection method: clinical testing. Allele origin: germline.

GeneDx
Classification: Likely benign. Last evaluated: 2021-05-19. Review status: criteria provided, single submitter. Criteria: GeneDx Variant Classification Process June 2021. Collection method: clinical testing. Allele origin: germline. Affected: yes.
Comment: This variant is associated with the following publications: (PMID: 24291220)

Ambry Genetics
Classification: Uncertain significance for Inborn genetic diseases. Last evaluated: 2019-06-24. Review status: criteria provided, single submitter. Criteria: Ambry Variant Classification Scheme 2023. Collection method: clinical testing. Allele origin: germline.
Comment: The p.V548M variant (also known as c.1642G>A), located in coding exon 7 of the TBC1D24 gene, results from a G to A substitution at nucleotide position 1642. The valine at codon 548 is replaced by methionine, an amino acid with highly similar properties. This amino acid position is not well conserved in available vertebrate species. In addition, this alteration is predicted to be tolerated by in silico analysis. Since supporting evidence is limited at this time, the clinical significance of this variant remains unclear.

Eurofins Ntd Llc (ga)
Classification: Uncertain significance. Last evaluated: 2018-01-12. Review status: criteria provided, single submitter. Criteria: EGL Classification Definitions 2015. Collection method: clinical testing. Allele origin: germline. Observed: 2 variant alleles, 2 heterozygotes.

Illumina Laboratory Services, Illumina
Classification: Likely benign for Familial infantile myoclonic epilepsy. Last evaluated: 2018-01-12. Review status: criteria provided, single submitter. Criteria: ICSL Variant Classification Criteria 13 December 2019. Collection method: clinical testing. Allele origin: germline.
Comment: This variant was observed in the ICSL laboratory as part of a predisposition screen in an ostensibly healthy population. It had not been previously curated by ICSL or reported in the Human Gene Mutation Database (HGMD: prior to June 1st, 2018), and was therefore a candidate for classification through an automated scoring system. Utilizing variant allele frequency, disease prevalence and penetrance estimates, and inheritance mode, an automated score was calculated to assess if this variant is too frequent to cause the disease. Based on the score and internal cut-off values, a variant classified as likely benign is not then subjected to further curation. The score for this variant resulted in a classification of likely benign for this disease.

Laboratory for Molecular Medicine, Mass General Brigham Personalized Medicine
Classification: Likely benign. Last evaluated: 2017-02-07. Review status: criteria provided, single submitter. Criteria: LMM Criteria. Collection method: clinical testing. Allele origin: germline. Observed: 1 variant allele.
Comment: p.Val548Met in exon 8 of TBC1D24: This variant is not expected to have clinical significance because it has been identified in 0.4% (48/11428 and 142/36466) of Latino chromosomes including one homozygote by the Exome Aggregation Consortium and the Genome Aggregation Database respectively (ExAC; gnomAD; dbSNP rs201649140).

PreventionGenetics, part of Exact Sciences
Classification: Likely benign for TBC1D24-related condition. Last evaluated: 2023-09-13. Review status: no assertion criteria provided. Collection method: clinical testing. Allele origin: germline. Not counted in ClinVar's aggregate classification.
Comment: This variant is classified as likely benign based on ACMG/AMP sequence variant interpretation guidelines (Richards et al. 2015 PMID: 25741868, with internal and published modifications).

NM_001199107.2(TBC1D24):c.1642G>A (p.Val548Met)

Gene: TBC1D24 (TBC1 domain family member 24; plus strand). Cytogenetic location: 16p13.3.
Variant type: single nucleotide variant.
Coding change: c.1642G>A on transcript NM_001199107.2 (MANE Select); coding-DNA position 1642, G replaced by A.
Protein change: p.Val548Met; replaces valine 548 with methionine.
Molecular consequence: missense variant.
Genome position (GRCh38, 1-based): chr16:2,500,920, G>A. VCF-style: chr16-2500920-G-A. GRCh37 (hg19) VCF-style: chr16-2550921-G-A.
Other names: c.1624G>A, p.Val542Met (NM_020705.3); short protein forms V548M, V542M.
Identifiers: ClinVar variation 378709 (VCV000378709.39), dbSNP rs201649140, ClinGen allele CA7844370.